The following is an entry in ClinVar:

NM_001378615.1(CC2D2A):c.4171A>T (p.Ile1391Phe)

Genes: CC2D2A (coiled-coil and C2 domain containing 2A; plus strand), FBXL5 (F-box and leucine rich repeat protein 5; minus strand). Cytogenetic location: 4p15.32.
Variant type: single nucleotide variant.
Coding change: c.4171A>T on transcript NM_001378615.1 (MANE Select); coding-DNA position 4171, A replaced by T.
Protein change: p.Ile1391Phe; replaces isoleucine 1391 with phenylalanine.
Molecular consequence: missense variant.
Genome position (GRCh38, 1-based): chr4:15,587,921, A>T. VCF-style: chr4-15587921-A-T. GRCh37 (hg19) VCF-style: chr4-15589544-A-T.
Other names: c.4171A>T, p.Ile1391Phe (NM_001080522.2); c.4024A>T, p.Ile1342Phe (NM_001378617.1); short protein forms I1342F, I1391F.
Identifiers: ClinVar variation 2077325 (VCV002077325.6), dbSNP rs1396122330, ClinGen allele CA356429380.
Genomic context (GRCh38, chr4:15,587,921, plus strand): 5'-CTATTGTGTAATTACTTTCTGTCTCTGGGTAAGAAGGCCTGGCTGTTGATGGGCAATGCT[A>T]TTCCTGAGGTAAGACCACATAGGCTGCCTTTAACAGAGGAGTATAGTTGTCTAATCGAGT-3'
Protein context (NP_001365544.1, residues 1381-1401): KKAWLLMGNA[Ile1391Phe]PEGPTAYVLT

ClinVar aggregate classification (germline): Uncertain significance. Review status: criteria provided, multiple submitters, no conflicts (2 of 4 stars). 3 submissions from 3 submitters: Uncertain significance (3). Last evaluated 2025-04-20.

Conditions:
COACH syndrome 2. Identifiers: MedGen C5436837, MONDO:0030859, OMIM 619111.
Meckel syndrome, type 6. Identifiers: Orphanet 564, MedGen C2676790, MONDO:0012848, OMIM 612284.
Joubert syndrome 9 (JBTS9). Identifiers: Orphanet 2318, MedGen C2676788, MONDO:0012849, OMIM 612285.
Retinitis pigmentosa 93. Identifiers: MedGen C5676970, MONDO:0030797, OMIM 619845.
Joubert syndrome. Also called: JOUBERT-BOLTSHAUSER SYNDROME; Familial aplasia of the vermis. Identifiers: Orphanet 475, MedGen C5979921, MONDO:0018772.
Meckel-Gruber syndrome. Also called: DYSENCEPHALIA SPLANCHNOCYSTICA; GRUBER SYNDROME; Dysencephalia splachnocystica. Identifiers: Orphanet 564, MedGen C0265215, MONDO:0018921.
Inborn genetic diseases. Identifiers: MedGen C0950123, MeSH D030342.

gnomAD v4.1: 2 of 1,600,882 alleles (0.00012%); highest among the groups gnomAD compares: Admixed American, 0.0033%; no homozygotes.

Submissions (3):

Ambry Genetics
Classification: Uncertain significance for Inborn genetic diseases. Last evaluated: 2025-04-20. Review status: criteria provided, single submitter. Criteria: Ambry Variant Classification Scheme 2023. Collection method: clinical testing. Allele origin: germline.

Fulgent Genetics
Classification: Uncertain significance for Meckel syndrome, type 6; Joubert syndrome 9; COACH syndrome 2; Retinitis pigmentosa 93. Last evaluated: 2024-02-19. Review status: criteria provided, single submitter. Criteria: ACMG Guidelines, 2015. Collection method: clinical testing. Allele origin: germline.

Labcorp Genetics (formerly Invitae), Labcorp
Classification: Uncertain significance for Joubert syndrome; Meckel-Gruber syndrome. Last evaluated: 2024-02-05. Review status: criteria provided, single submitter. Criteria: Invitae Variant Classification Sherloc (09022015). Collection method: clinical testing. Allele origin: germline.
Comment: This sequence change replaces isoleucine, which is neutral and non-polar, with phenylalanine, which is neutral and non-polar, at codon 1391 of the CC2D2A protein (p.Ile1391Phe). This variant is not present in population databases (gnomAD no frequency). This variant has not been reported in the literature in individuals affected with CC2D2A-related conditions. ClinVar contains an entry for this variant (Variation ID: 2077325). Advanced modeling of protein sequence and biophysical properties (such as structural, functional, and spatial information, amino acid conservation, physicochemical variation, residue mobility, and thermodynamic stability) has been performed at Invitae for this missense variant, however the output from this modeling did not meet the statistical confidence thresholds required to predict the impact of this variant on CC2D2A protein function. In summary, the available evidence is currently insufficient to determine the role of this variant in disease. Therefore, it has been classified as a Variant of Uncertain Significance.